The following is an entry in ClinVar:

ClinVar aggregate classification (germline): Uncertain significance. Review status: criteria provided, multiple submitters, no conflicts (2 of 4 stars). 2 submissions from 2 submitters: Uncertain significance (2). Last evaluated 2024-12-14.

Conditions:
Inborn genetic diseases. Identifiers: MedGen C0950123, MeSH D030342.

Submissions (2):

Ambry Genetics
Classification: Uncertain significance for Inborn genetic diseases. Last evaluated: 2024-12-14. Review status: criteria provided, single submitter. Criteria: Ambry Variant Classification Scheme 2023. Collection method: clinical testing. Allele origin: germline.

GeneDx
Classification: Uncertain significance. Last evaluated: 2024-10-24. Review status: criteria provided, single submitter. Criteria: GeneDx Variant Classification Process June 2021. Collection method: clinical testing. Allele origin: germline. Affected: yes.
Comment: Not observed at significant frequency in large population cohorts (gnomAD); In silico analysis indicates that this missense variant does not alter protein structure/function; Has not been previously published as pathogenic or benign to our knowledge

NM_032119.4(ADGRV1):c.8845C>G (p.Gln2949Glu)

Gene: ADGRV1 (adhesion G protein-coupled receptor V1; plus strand). Cytogenetic location: 5q14.3.
Variant type: single nucleotide variant.
Coding change: c.8845C>G on transcript NM_032119.4 (MANE Select); coding-DNA position 8845, C replaced by G.
Protein change: p.Gln2949Glu; replaces glutamine 2949 with glutamic acid.
Molecular consequence: missense variant. On other transcripts: non-coding transcript variant (1).
Genome position (GRCh38, 1-based): chr5:90,711,001, C>G. VCF-style: chr5-90711001-C-G. GRCh37 (hg19) VCF-style: chr5-90006818-C-G.
Other names: short protein forms Q2949E.
Identifiers: ClinVar variation 3837741 (VCV003837741.2).